The following is an entry in ClinVar:

NM_153490.3(KRT13):c.735+10A>G

Gene: KRT13 (keratin 13; minus strand). Cytogenetic location: 17q21.2.
Variant type: single nucleotide variant.
Coding change: c.735+10A>G on transcript NM_153490.3 (MANE Select); 10 bases into the intron after coding-DNA position 735, A replaced by G.
Molecular consequence: intron variant.
Genome position (GRCh38, 1-based): chr17:41,503,277, T>C on the plus strand (A>G on the coding strand, the complement: KRT13 is on the minus strand). VCF-style: chr17-41503277-T-C. GRCh37 (hg19) VCF-style: chr17-39659529-T-C.
Other names: c.735+10A>G (NM_002274.4).
Identifiers: ClinVar variation 323093 (VCV000323093.8), dbSNP rs7211835, ClinGen allele CA8560677.

ClinVar aggregate classification (germline): Benign. Review status: criteria provided, multiple submitters, no conflicts (2 of 4 stars). 3 submissions from 3 submitters: Benign (3). Last evaluated 2021-08-19.

Conditions:
White sponge nevus 2 (WSN2). Identifiers: MedGen C4014321, MONDO:0014346, OMIM 615785.

Allele frequency attached by ClinVar (database versions not stated): 1000 Genomes Project 0.82109; ExAC 0.91394; 1000 Genomes Project 30x 0.81527; gnomAD 0.83623 and 0.84270; TOPMed 0.82693; ESP Exome Variant Server 0.83346; gnomAD exomes 0.93785.
gnomAD v4.1: 1,498,073 of 1,613,872 alleles (93%); highest among the groups gnomAD compares: East Asian, 98%; 700,608 homozygotes.

Submissions (3):

Genome-Nilou Lab
Classification: Benign for White sponge nevus 2. Last evaluated: 2021-08-19. Review status: criteria provided, single submitter. Criteria: ACMG Guidelines, 2015. Collection method: clinical testing. Allele origin: germline. Affected: no.

Illumina Laboratory Services, Illumina
Classification: Benign for White sponge nevus 2. Last evaluated: 2018-01-13. Review status: criteria provided, single submitter. Criteria: ICSL Variant Classification Criteria 13 December 2019. Collection method: clinical testing. Allele origin: germline.
Comment: This variant was observed in the ICSL laboratory as part of a predisposition screen in an ostensibly healthy population. It had not been previously curated by ICSL or reported in the Human Gene Mutation Database (HGMD: prior to June 1st, 2018), and was therefore a candidate for classification through an automated scoring system. Utilizing variant allele frequency, disease prevalence and penetrance estimates, and inheritance mode, an automated score was calculated to assess if this variant is too frequent to cause the disease. Based on the score and internal cut-off values, a variant classified as benign is not then subjected to further curation. The score for this variant resulted in a classification of benign for this disease.

Breakthrough Genomics
Classification: Benign. Review status: criteria provided, single submitter. Criteria: ACMG Guidelines, 2015. Collection method: not provided. Allele origin: germline. Inheritance: Autosomal dominant inheritance. Affected: yes.